The following is an entry in ClinVar:

ClinVar aggregate classification (germline): Uncertain significance (1 of 4 stars; one submission).

Conditions:
Retinitis pigmentosa 20 (RP20). Identifiers: Orphanet 791, MedGen C3151086, MONDO:0013425, OMIM 613794.
Leber congenital amaurosis 2 (LCA2). Also called: AMAUROSIS CONGENITA OF LEBER II; Autosomal Recessive RPE65-Related Retinal Degeneration. Identifiers: Orphanet 65, MedGen C1859844, MONDO:0008765, OMIM 204100. Disease mechanism: loss of function.

gnomAD v4.1: 20 of 1,612,654 alleles (0.0012%); highest among the groups gnomAD compares: Non-Finnish European, 0.0017%; no homozygotes.

Submission:

Labcorp Genetics (formerly Invitae), Labcorp
Classification: Uncertain significance for Leber congenital amaurosis 2; Retinitis pigmentosa 20. Last evaluated: 2024-09-12. Review status: criteria provided, single submitter. Criteria: Invitae Variant Classification Sherloc (09022015). Collection method: clinical testing. Allele origin: germline.
Comment: This sequence change replaces glutamic acid, which is acidic and polar, with glutamine, which is neutral and polar, at codon 335 of the RPE65 protein (p.Glu335Gln). This variant is present in population databases (rs762116242, gnomAD 0.005%). This variant has not been reported in the literature in individuals affected with RPE65-related conditions. Invitae Evidence Modeling of protein sequence and biophysical properties (such as structural, functional, and spatial information, amino acid conservation, physicochemical variation, residue mobility, and thermodynamic stability) indicates that this missense variant is not expected to disrupt RPE65 protein function with a negative predictive value of 80%. In summary, the available evidence is currently insufficient to determine the role of this variant in disease. Therefore, it has been classified as a Variant of Uncertain Significance.

NM_000329.3(RPE65):c.1003G>C (p.Glu335Gln)

Gene: RPE65 (retinoid isomerohydrolase RPE65; minus strand). Cytogenetic location: 1p31.3.
Variant type: single nucleotide variant.
Coding change: c.1003G>C on transcript NM_000329.3 (MANE Select); coding-DNA position 1003, G replaced by C.
Protein change: p.Glu335Gln; replaces glutamic acid 335 with glutamine.
Molecular consequence: missense variant.
Genome position (GRCh38, 1-based): chr1:68,438,312, C>G on the plus strand (G>C on the coding strand, the complement: RPE65 is on the minus strand). VCF-style: chr1-68438312-C-G. GRCh37 (hg19) VCF-style: chr1-68903995-C-G.
Other names: c.895G>C, p.Glu299Gln (NM_001406853.1); c.727G>C, p.Glu243Gln (NM_001406856.1, NM_001406857.1); c.1003G>C, p.Glu335Gln (NM_001406859.1); short protein forms E243Q, E299Q, E335Q.
Identifiers: ClinVar variation 3752471 (VCV003752471.1).
Genomic context (GRCh38, chr1:68,438,312, plus strand): 5'-TTTTCACCTCTTCCCAGTTCTCACGTAAATTGGCTAAATATAAGTAATTATAAACAAACT[C>G]AAATCTGCAAAAATAAAAAGTCAAACATGAGCACAGGCAATGACAAATAATTTTAGAGAG-3'
Protein context (NP_000320.1, residues 325-345): IVDLCCWKGF[Glu335Gln]FVYNYLYLAN